The following is an entry in ClinVar:

ClinVar aggregate classification (germline): Uncertain significance (1 of 4 stars; one submission).

gnomAD v4.1: 4 of 1,610,646 alleles (0.00025%); highest among the groups gnomAD compares: Non-Finnish European, 0.00034%; no homozygotes.

Submission:

CeGaT Center for Human Genetics Tuebingen
Classification: Uncertain significance. Last evaluated: 2024-09-01. Review status: criteria provided, single submitter. Criteria: CeGaT Center For Human Genetics Tuebingen Variant Classification Criteria Version 2. Collection method: clinical testing. Allele origin: germline. Affected: yes. Observed: 1 variant allele.
Comment: WBP11: PM2:Supporting

NM_016312.3(WBP11):c.580C>T (p.Pro194Ser)

Gene: WBP11 (WW domain binding protein 11; minus strand). Cytogenetic location: 12p12.3.
Variant type: single nucleotide variant.
Coding change: c.580C>T on transcript NM_016312.3 (MANE Select); coding-DNA position 580, C replaced by T.
Protein change: p.Pro194Ser; replaces proline 194 with serine.
Molecular consequence: missense variant.
Genome position (GRCh38, 1-based): chr12:14,794,678, G>A on the plus strand (C>T on the coding strand, the complement: WBP11 is on the minus strand). VCF-style: chr12-14794678-G-A. GRCh37 (hg19) VCF-style: chr12-14947612-G-A.
Other names: short protein forms P194S.
Identifiers: ClinVar variation 3388762 (VCV003388762.14).